The following is an entry in ClinVar:

ClinVar aggregate classification (germline): Likely benign. Review status: criteria provided, multiple submitters, no conflicts (2 of 4 stars). 4 submissions from 4 submitters: Likely benign (4). Last evaluated 2026-01-20.

Conditions:
BCS1L-related disorder. Also called: BCS1L-related condition; BCS1L-related disorders. Identifiers: MedGen CN239240.

Allele frequency attached by ClinVar (database versions not stated): gnomAD 0.00002; ExAC 0.00003; gnomAD exomes 0.00003; TOPMed 0.00003; ESP Exome Variant Server 0.00008.
gnomAD v4.1: 27 of 1,614,096 alleles (0.0017%); highest among the groups gnomAD compares: Middle Eastern, 0.016%; no homozygotes.

Submissions (4):

Labcorp Genetics (formerly Invitae), Labcorp
Classification: Likely benign. Last evaluated: 2026-01-20. Review status: criteria provided, single submitter. Criteria: Invitae Variant Classification Sherloc (09022015). Collection method: clinical testing. Allele origin: germline.

PreventionGenetics, part of Exact Sciences
Classification: Likely benign for BCS1L-related condition. Last evaluated: 2025-12-16. Review status: criteria provided, single submitter. Criteria: ACMG Guidelines, 2015. Collection method: clinical testing. Allele origin: germline.
Comment: This variant is classified as likely benign based on ACMG/AMP sequence variant interpretation guidelines (Richards et al. 2015 PMID: 25741868, with internal and published modifications).

Blueprint Genetics
Classification: Likely benign. Last evaluated: 2024-09-15. Review status: criteria provided, single submitter. Criteria: ACMG Guidelines, 2015. Collection method: clinical testing. Allele origin: germline.

GeneDx
Classification: Likely benign. Last evaluated: 2020-02-25. Review status: criteria provided, single submitter. Criteria: GeneDx Variant Classification Process June 2021. Collection method: clinical testing. Allele origin: germline. Affected: yes.

NM_001079866.2(BCS1L):c.1008-5C>A

Gene: BCS1L (BCS1 ubiquinol-cytochrome c reductase complex chaperone; plus strand). Cytogenetic location: 2q35.
Variant type: single nucleotide variant.
Coding change: c.1008-5C>A on transcript NM_001079866.2 (MANE Select); 5 bases into the intron before coding-DNA position 1008, C replaced by A.
Molecular consequence: intron variant.
Genome position (GRCh38, 1-based): chr2:218,663,129, C>A. VCF-style: chr2-218663129-C-A. GRCh37 (hg19) VCF-style: chr2-219527852-C-A.
Other names: c.1008-5C>A (NM_001374085.1, NM_001371446.1, NM_001371450.1 and 10 more transcripts); c.507-5C>A (NM_001374086.1, NM_001371454.1, NM_001371453.1 and 3 more transcripts); c.648-5C>A (NM_001371451.1, NM_001318836.2).
Identifiers: ClinVar variation 507541 (VCV000507541.17), dbSNP rs373671954, ClinGen allele CA2109829.